The following is an entry in ClinVar:

NM_004431.5(EPHA2):c.1283G>A (p.Arg428His)

Gene: EPHA2 (EPH receptor A2; minus strand). Cytogenetic location: 1p36.13.
Variant type: single nucleotide variant.
Coding change: c.1283G>A on transcript NM_004431.5 (MANE Select); coding-DNA position 1283, G replaced by A.
Protein change: p.Arg428His; replaces arginine 428 with histidine.
Molecular consequence: missense variant.
Genome position (GRCh38, 1-based): chr1:16,137,882, C>T on the plus strand (G>A on the coding strand, the complement: EPHA2 is on the minus strand). VCF-style: chr1-16137882-C-T. GRCh37 (hg19) VCF-style: chr1-16464377-C-T.
Other names: c.1121G>A, p.Arg374His (NM_001329090.2); short protein forms R374H, R428H.
Identifiers: ClinVar variation 955156 (VCV000955156.8), dbSNP rs138475231, ClinGen allele CA625259.

ClinVar aggregate classification (germline): Uncertain significance. Review status: criteria provided, multiple submitters, no conflicts (2 of 4 stars). 2 submissions from 2 submitters: Uncertain significance (2). Last evaluated 2019-11-14.

Conditions:
Cataract 6 multiple types. Also called: CATARACT 6, POSTERIOR POLAR; CATARACT 6, CONGENITAL TOTAL; CATARACT, AGE-RELATED CORTICAL, 2. Identifiers: Orphanet 91492, MedGen C1861825, MONDO:0007288, OMIM 116600.

Allele frequency attached by ClinVar (database versions not stated): gnomAD 0.00008 and 0.00009; TOPMed 0.00009; ESP Exome Variant Server 0.00015; 1000 Genomes Project 30x 0.00031; 1000 Genomes Project 0.00040.
gnomAD v4.1: 52 of 1,613,890 alleles (0.0032%); highest among the groups gnomAD compares: Middle Eastern, 0.033%; no homozygotes.

Submissions (2):

Labcorp Genetics (formerly Invitae), Labcorp
Classification: Uncertain significance for Cataract 6 multiple types. Last evaluated: 2019-11-14. Review status: criteria provided, single submitter. Criteria: Invitae Variant Classification Sherloc (09022015). Collection method: clinical testing. Allele origin: germline.
Comment: This variant is present in population databases (rs138475231, ExAC 0.04%). This sequence change replaces arginine with histidine at codon 428 of the EPHA2 protein (p.Arg428His). The arginine residue is highly conserved and there is a small physicochemical difference between arginine and histidine. This variant has not been reported in the literature in individuals with EPHA2-related conditions. In summary, the available evidence is currently insufficient to determine the role of this variant in disease. Therefore, it has been classified as a Variant of Uncertain Significance. Algorithms developed to predict the effect of missense changes on protein structure and function are either unavailable or do not agree on the potential impact of this missense change (SIFT: "Deleterious"; PolyPhen-2: "Benign"; Align-GVGD: "Class C0").

Breakthrough Genomics
Classification: Uncertain significance. Review status: criteria provided, single submitter. Criteria: ACMG Guidelines, 2015. Collection method: not provided. Allele origin: germline. Inheritance: Autosomal dominant inheritance. Affected: yes.